The following is an entry in ClinVar:

NM_001337.4(CX3CR1):c.765G>A (p.Thr255=)

Gene: CX3CR1 (C-X3-C motif chemokine receptor 1; minus strand). Cytogenetic location: 3p22.2.
Variant type: single nucleotide variant.
Coding change: c.765G>A on transcript NM_001337.4 (MANE Select); coding-DNA position 765, G replaced by A.
Protein change: p.Thr255=; no amino-acid change (threonine 255 retained).
Molecular consequence: synonymous variant.
Genome position (GRCh38, 1-based): chr3:39,265,745, C>T on the plus strand (G>A on the coding strand, the complement: CX3CR1 is on the minus strand). VCF-style: chr3-39265745-C-T. GRCh37 (hg19) VCF-style: chr3-39307236-C-T.
Other names: c.765G>A, p.Thr255= (NM_001171171.2, NM_001171172.2); c.861G>A, p.Thr287= (NM_001171174.1).
Identifiers: ClinVar variation 788850 (VCV000788850.28), dbSNP rs55975803, ClinGen allele CA2326900.
Genomic context (GRCh38, chr3:39,265,745, plus strand): 5'-GAGGGCCAGCCTCAGATCCTTCCTCATGTCACAACTGGGAAAGAAGTCATAGAGCTTAAG[C>T]GTCTCCAGGAAAATCATAACGTTGTAGGGTGTCCAGAAGAGGAAAAACACGATGACCACC-3'
Protein context (NP_001328.1, residues 245-265): TPYNVMIFLE[Thr255=]LKLYDFFPSC

ClinVar aggregate classification (germline): Benign/Likely benign. Review status: criteria provided, multiple submitters, no conflicts (2 of 4 stars). 3 submissions from 3 submitters: Benign (2); Likely benign (1). Last evaluated 2023-04-01.

Allele frequency attached by ClinVar (database versions not stated): 1000 Genomes Project 0.00080; 1000 Genomes Project 30x 0.00094; TOPMed 0.00280; gnomAD 0.00318 and 0.00328; ESP Exome Variant Server 0.00363; gnomAD exomes 0.00368 and 0.00431; ExAC 0.00388.

Submissions (3):

CeGaT Center for Human Genetics Tuebingen
Classification: Likely benign. Last evaluated: 2023-04-01. Review status: criteria provided, single submitter. Criteria: CeGaT Center For Human Genetics Tuebingen Variant Classification Criteria Version 2. Collection method: clinical testing. Allele origin: germline. Affected: yes. Observed: 1 variant allele.
Comment: CX3CR1: BP4, BP7, BS2

Labcorp Genetics (formerly Invitae), Labcorp
Classification: Benign. Last evaluated: 2018-07-07. Review status: criteria provided, single submitter. Criteria: Invitae Variant Classification Sherloc (09022015). Collection method: clinical testing. Allele origin: germline.

Breakthrough Genomics
Classification: Benign. Review status: criteria provided, single submitter. Criteria: ACMG Guidelines, 2015. Collection method: not provided. Allele origin: germline. Inheritance: Unknown mechanism. Affected: yes.